The following is an entry in ClinVar:

ClinVar aggregate classification (germline): Uncertain significance (1 of 4 stars; one submission).

gnomAD v4.1: 14 of 1,614,106 alleles (0.00087%); highest among the groups gnomAD compares: Non-Finnish European, 0.00085%; no homozygotes.

Submission:

Labcorp Genetics (formerly Invitae), Labcorp
Classification: Uncertain significance. Last evaluated: 2025-05-08. Review status: criteria provided, single submitter. Criteria: Invitae Variant Classification Sherloc (09022015). Collection method: clinical testing. Allele origin: germline.
Comment: This sequence change replaces valine, which is neutral and non-polar, with methionine, which is neutral and non-polar, at codon 2026 of the HSPG2 protein (p.Val2026Met). This variant is present in population databases (no rsID available, gnomAD 0.0009%). This variant has not been reported in the literature in individuals affected with HSPG2-related conditions. An algorithm developed to predict the effect of missense changes on protein structure and function (PolyPhen-2) suggests that this variant is likely to be tolerated. In summary, the available evidence is currently insufficient to determine the role of this variant in disease. Therefore, it has been classified as a Variant of Uncertain Significance.

NM_005529.7(HSPG2):c.6076G>A (p.Val2026Met)

Gene: HSPG2 (heparan sulfate proteoglycan 2; minus strand). Cytogenetic location: 1p36.12.
Variant type: single nucleotide variant.
Coding change: c.6076G>A on transcript NM_005529.7 (MANE Select); coding-DNA position 6076, G replaced by A.
Protein change: p.Val2026Met; replaces valine 2026 with methionine.
Molecular consequence: missense variant.
Genome position (GRCh38, 1-based): chr1:21,854,905, C>T on the plus strand (G>A on the coding strand, the complement: HSPG2 is on the minus strand). VCF-style: chr1-21854905-C-T. GRCh37 (hg19) VCF-style: chr1-22181398-C-T.
Other names: c.6079G>A, p.Val2027Met (NM_001291860.2); short protein forms V2026M, V2027M.
Identifiers: ClinVar variation 4705118 (VCV004705118.1).